The following is an entry in ClinVar:

ClinVar aggregate classification (germline): Uncertain significance (1 of 4 stars; one submission).

Submission:

Labcorp Genetics (formerly Invitae), Labcorp
Classification: Uncertain significance. Last evaluated: 2023-09-27. Review status: criteria provided, single submitter. Criteria: Invitae Variant Classification Sherloc (09022015). Collection method: clinical testing. Allele origin: germline.
Comment: This variant has not been reported in the literature in individuals affected with MACF1-related conditions. This variant is not present in population databases (gnomAD no frequency). This sequence change replaces aspartic acid, which is acidic and polar, with glutamic acid, which is acidic and polar, at codon 2203 of the MACF1 protein (p.Asp2203Glu). Algorithms developed to predict the effect of missense changes on protein structure and function output the following: SIFT: "Not Available"; PolyPhen-2: "Benign"; Align-GVGD: "Not Available". The glutamic acid amino acid residue is found in multiple mammalian species, which suggests that this missense change does not adversely affect protein function. In summary, the available evidence is currently insufficient to determine the role of this variant in disease. Therefore, it has been classified as a Variant of Uncertain Significance.

NM_001394062.1(MACF1):c.12795C>A (p.Asp4265Glu)

Gene: MACF1 (microtubule actin crosslinking factor 1; plus strand). Cytogenetic location: 1p34.3.
Variant type: single nucleotide variant.
Coding change: c.12795C>A on transcript NM_001394062.1 (MANE Select); coding-DNA position 12795, C replaced by A.
Protein change: p.Asp4265Glu; replaces aspartic acid 4265 with glutamic acid.
Molecular consequence: missense variant.
Genome position (GRCh38, 1-based): chr1:39,368,171, C>A. VCF-style: chr1-39368171-C-A. GRCh37 (hg19) VCF-style: chr1-39833843-C-A.
Other names: c.6609C>A, p.Asp2203Glu (NM_012090.5); short protein forms D2203E, D4265E.
Identifiers: ClinVar variation 2726231 (VCV002726231.3), dbSNP rs2522461516, ClinGen allele CA339826184.
Genomic context (GRCh38, chr1:39,368,171, plus strand): 5'-TTAGAGGATTTAATACATTTCCTTGTTTGCTTGACAGGAGCTCAATTTGGAAATGGAAGA[C>A]CAACAGGAGAACCTAGATACTCTTGAGCACCTGGTCACTGAACTGAGCTCTTGTGGCTTT-3'
Protein context (NP_001380991.1, residues 4255-4275): QIQELNLEME[Asp4265Glu]QQENLDTLEH